The following is an entry in ClinVar:

ClinVar aggregate classification (germline): Uncertain significance (1 of 4 stars; one submission).

Allele frequency attached by ClinVar (database versions not stated): gnomAD 0.00001.
gnomAD v4.1: 3 of 1,424,274 alleles (0.00021%); highest among the groups gnomAD compares: East Asian, 0.0031%; no homozygotes.

Submission:

Labcorp Genetics (formerly Invitae), Labcorp
Classification: Uncertain significance. Last evaluated: 2024-10-18. Review status: criteria provided, single submitter. Criteria: Invitae Variant Classification Sherloc (09022015). Collection method: clinical testing. Allele origin: germline.
Comment: This sequence change replaces alanine, which is neutral and non-polar, with threonine, which is neutral and polar, at codon 170 of the CTF1 protein (p.Ala170Thr). This variant is present in population databases (no rsID available, gnomAD 0.06%). This variant has not been reported in the literature in individuals affected with CTF1-related conditions. ClinVar contains an entry for this variant (Variation ID: 2154664). An algorithm developed to predict the effect of missense changes on protein structure and function (PolyPhen-2) suggests that this variant is likely to be disruptive. In summary, the available evidence is currently insufficient to determine the role of this variant in disease. Therefore, it has been classified as a Variant of Uncertain Significance.

NM_001330.5(CTF1):c.508G>A (p.Ala170Thr)

Genes: CTF1 (cardiotrophin 1; plus strand), LOC130058878 (ATAC-STARR-seq lymphoblastoid silent region 7400; plus strand). Cytogenetic location: 16p11.2.
Variant type: single nucleotide variant.
Coding change: c.508G>A on transcript NM_001330.5 (MANE Select); coding-DNA position 508, G replaced by A.
Protein change: p.Ala170Thr; replaces alanine 170 with threonine.
Molecular consequence: missense variant. On other transcripts: non-coding transcript variant (1).
Genome position (GRCh38, 1-based): chr16:30,902,441, G>A. VCF-style: chr16-30902441-G-A. GRCh37 (hg19) VCF-style: chr16-30913762-G-A.
Other names: c.505G>A, p.Ala169Thr (NM_001142544.3); short protein forms A170T, A169T.
Identifiers: ClinVar variation 2154664 (VCV002154664.4), dbSNP rs1415950855, ClinGen allele CA395619520.